The following is an entry in ClinVar:

NM_001999.4(FBN2):c.449G>T (p.Ser150Ile)

Gene: FBN2 (fibrillin 2; minus strand). Cytogenetic location: 5q23.3.
Variant type: single nucleotide variant.
Coding change: c.449G>T on transcript NM_001999.4 (MANE Select); coding-DNA position 449, G replaced by T.
Protein change: p.Ser150Ile; replaces serine 150 with isoleucine.
Molecular consequence: missense variant.
Genome position (GRCh38, 1-based): chr5:128,527,955, C>A on the plus strand (G>T on the coding strand, the complement: FBN2 is on the minus strand). VCF-style: chr5-128527955-C-A. GRCh37 (hg19) VCF-style: chr5-127863648-C-A.
Other names: c.449G>T (NM_001999.3); short protein forms S150I.
Identifiers: ClinVar variation 1003199 (VCV001003199.10), dbSNP rs779482726, ClinGen allele CA3396106.
Genomic context (GRCh38, chr5:128,527,955, plus strand): 5'-TATCCTTTCTGGCACTGGCAGTGGTCATCTGCACAGGTCCCACCATTCATGCATCTCACA[C>A]TGCACTGCTGAACTGCAAAGAGCAATAACAAAAAGTATAAAAACATCAGTCATCAAAATT-3'
Protein context (NP_001990.2, residues 140-160): TCGSKSIQQC[Ser150Ile]VRCMNGGTCA

ClinVar aggregate classification (germline): Uncertain significance. Review status: criteria provided, multiple submitters, no conflicts (2 of 4 stars). 2 submissions from 2 submitters: Uncertain significance (2). Last evaluated 2026-04-30.

Conditions:
Familial thoracic aortic aneurysm and aortic dissection (TAAD). Also called: Thoracic aortic aneurysms and dissections. Identifiers: Orphanet 91387, MedGen C4707243, MONDO:0019625.
Congenital contractural arachnodactyly (CCA). Also called: BEALS SYNDROME; Arthrogryposis, distal, type 9; Beals-Hecht syndrome. Identifiers: Orphanet 115, MedGen C0220668, MONDO:0007363, OMIM 121050.

Allele frequency attached by ClinVar (database versions not stated): TOPMed below 0.00001; ExAC 0.00003.
gnomAD v4.1: 9 of 1,610,576 alleles (0.00056%); highest among the groups gnomAD compares: Non-Finnish European, 0.00076%; no homozygotes.

Submissions (2):

Ambry Genetics
Classification: Uncertain significance for Familial thoracic aortic aneurysm and aortic dissection. Last evaluated: 2026-04-30. Review status: criteria provided, single submitter. Criteria: Ambry Variant Classification Scheme 2023. Collection method: clinical testing. Allele origin: germline.
Comment: The p.S150I variant (also known as c.449G>T), located in coding exon 4 of the FBN2 gene, results from a G to T substitution at nucleotide position 449. The serine at codon 150 is replaced by isoleucine, an amino acid with dissimilar properties. This amino acid position is conserved. In addition, the in silico prediction for this alteration is inconclusive. Based on the available evidence, the clinical significance of this variant remains unclear.

Labcorp Genetics (formerly Invitae), Labcorp
Classification: Uncertain significance for Congenital contractural arachnodactyly. Last evaluated: 2020-07-30. Review status: criteria provided, single submitter. Criteria: Invitae Variant Classification Sherloc (09022015). Collection method: clinical testing. Allele origin: germline.
Comment: Advanced modeling of protein sequence and biophysical properties (such as structural, functional, and spatial information, amino acid conservation, physicochemical variation, residue mobility, and thermodynamic stability) performed at Invitae indicates that this missense variant is not expected to disrupt FBN2 protein function. This variant has not been reported in the literature in individuals with FBN2-related conditions. This variant is present in population databases (rs779482726, ExAC 0.005%). This sequence change replaces serine with isoleucine at codon 150 of the FBN2 protein (p.Ser150Ile). The serine residue is moderately conserved and there is a large physicochemical difference between serine and isoleucine. In summary, the available evidence is currently insufficient to determine the role of this variant in disease. Therefore, it has been classified as a Variant of Uncertain Significance.